The following is an entry in ClinVar:

NM_182914.3(SYNE2):c.15352G>C (p.Val5118Leu)

Gene: SYNE2 (spectrin repeat containing nuclear envelope protein 2; plus strand). Cytogenetic location: 14q23.2.
Variant type: single nucleotide variant.
Coding change: c.15352G>C on transcript NM_182914.3 (MANE Select); coding-DNA position 15352, G replaced by C.
Protein change: p.Val5118Leu; replaces valine 5118 with leucine.
Molecular consequence: missense variant.
Genome position (GRCh38, 1-based): chr14:64,143,817, G>C. VCF-style: chr14-64143817-G-C. GRCh37 (hg19) VCF-style: chr14-64610535-G-C.
Other names: c.15352G>C, p.Val5118Leu (NM_015180.6); short protein forms V5118L.
Identifiers: ClinVar variation 2893034 (VCV002893034.3), dbSNP rs1406937757, ClinGen allele CA389943466.

ClinVar aggregate classification (germline): Uncertain significance (1 of 4 stars; one submission).

Conditions:
Emery-Dreifuss muscular dystrophy 5, autosomal dominant (EDMD5). Also called: EMERY-DREIFUSS MUSCULAR DYSTROPHY 5. Identifiers: Orphanet 261, MedGen C2751805, MONDO:0013072, OMIM 612999.

Allele frequency attached by ClinVar (database versions not stated): TOPMed below 0.00001.
gnomAD v4.1: 2 of 1,614,148 alleles (0.00012%); highest among the groups gnomAD compares: Non-Finnish European, 0.00017%; no homozygotes.

Submission:

Labcorp Genetics (formerly Invitae), Labcorp
Classification: Uncertain significance for Emery-Dreifuss muscular dystrophy 5, autosomal dominant. Last evaluated: 2022-12-22. Review status: criteria provided, single submitter. Criteria: Invitae Variant Classification Sherloc (09022015). Collection method: clinical testing. Allele origin: germline.
Comment: In summary, the available evidence is currently insufficient to determine the role of this variant in disease. Therefore, it has been classified as a Variant of Uncertain Significance. Algorithms developed to predict the effect of missense changes on protein structure and function are either unavailable or do not agree on the potential impact of this missense change (SIFT: "Tolerated"; PolyPhen-2: "Possibly Damaging"; Align-GVGD: "Class C0"). This variant has not been reported in the literature in individuals affected with SYNE2-related conditions. This variant is not present in population databases (gnomAD no frequency). This sequence change replaces valine, which is neutral and non-polar, with leucine, which is neutral and non-polar, at codon 5118 of the SYNE2 protein (p.Val5118Leu).